The following is an entry in ClinVar:

NM_001042492.3(NF1):c.6292G>A (p.Ala2098Thr)

Gene: NF1 (neurofibromin 1; plus strand). Cytogenetic location: 17q11.2.
Variant type: single nucleotide variant.
Coding change: c.6292G>A on transcript NM_001042492.3 (MANE Select); coding-DNA position 6292, G replaced by A.
Protein change: p.Ala2098Thr; replaces alanine 2098 with threonine.
Molecular consequence: missense variant.
Genome position (GRCh38, 1-based): chr17:31,336,779, G>A. VCF-style: chr17-31336779-G-A. GRCh37 (hg19) VCF-style: chr17-29663797-G-A.
Other names: c.6229G>A, p.Ala2077Thr (NM_000267.4); short protein forms A2077T, A2098T.
Identifiers: ClinVar variation 1009223 (VCV001009223.5), dbSNP rs894460960, ClinGen allele CA289386179.

ClinVar aggregate classification (germline): Uncertain significance (1 of 4 stars; one submission).

Conditions:
Neurofibromatosis, type 1 (NF1). Also called: VON RECKLINGHAUSEN DISEASE; Neurofibromatosis, type I; NEUROFIBROMATOSIS, TYPE I, SOMATIC; Peripheral type neurofibromatosis. Identifiers: Orphanet 636, MedGen C0027831, MONDO:0018975, OMIM 162200. Disease mechanism: loss of function.

Submission:

Labcorp Genetics (formerly Invitae), Labcorp
Classification: Uncertain significance for Neurofibromatosis, type 1. Last evaluated: 2024-10-01. Review status: criteria provided, single submitter. Criteria: Invitae Variant Classification Sherloc (09022015). Collection method: clinical testing. Allele origin: germline.
Comment: This sequence change replaces alanine, which is neutral and non-polar, with threonine, which is neutral and polar, at codon 2077 of the NF1 protein (p.Ala2077Thr). This variant is not present in population databases (gnomAD no frequency). This variant has not been reported in the literature in individuals affected with NF1-related conditions. ClinVar contains an entry for this variant (Variation ID: 1009223). Invitae Evidence Modeling of protein sequence and biophysical properties (such as structural, functional, and spatial information, amino acid conservation, physicochemical variation, residue mobility, and thermodynamic stability) indicates that this missense variant is not expected to disrupt NF1 protein function with a negative predictive value of 95%. In summary, the available evidence is currently insufficient to determine the role of this variant in disease. Therefore, it has been classified as a Variant of Uncertain Significance.